The following is an entry in ClinVar:

ClinVar aggregate classification (germline): Uncertain significance (1 of 4 stars; one submission).

Submission:

Labcorp Genetics (formerly Invitae), Labcorp
Classification: Uncertain significance. Last evaluated: 2024-08-06. Review status: criteria provided, single submitter. Criteria: Invitae Variant Classification Sherloc (09022015). Collection method: clinical testing. Allele origin: germline.
Comment: This sequence change replaces arginine, which is basic and polar, with tryptophan, which is neutral and slightly polar, at codon 1446 of the ADGRB2 protein (p.Arg1446Trp). This variant is present in population databases (rs772835477, gnomAD 0.003%). This variant has not been reported in the literature in individuals affected with ADGRB2-related conditions. An algorithm developed to predict the effect of missense changes on protein structure and function (PolyPhen-2) suggests that this variant is likely to be disruptive. In summary, the available evidence is currently insufficient to determine the role of this variant in disease. Therefore, it has been classified as a Variant of Uncertain Significance.

NM_001364857.2(ADGRB2):c.4438C>T (p.Arg1480Trp)

Gene: ADGRB2 (adhesion G protein-coupled receptor B2; minus strand). Cytogenetic location: 1p35.2.
Variant type: single nucleotide variant.
Coding change: c.4438C>T on transcript NM_001364857.2 (MANE Select); coding-DNA position 4438, C replaced by T.
Protein change: p.Arg1480Trp; replaces arginine 1480 with tryptophan.
Molecular consequence: missense variant.
Genome position (GRCh38, 1-based): chr1:31,728,259, G>A on the plus strand (C>T on the coding strand, the complement: ADGRB2 is on the minus strand). VCF-style: chr1-31728259-G-A. GRCh37 (hg19) VCF-style: chr1-32193860-G-A.
Other names: c.4435C>T, p.Arg1479Trp (NM_001294335.2); c.4336C>T, p.Arg1446Trp (NM_001294336.2); short protein forms R1446W, R1479W, R1480W.
Identifiers: ClinVar variation 3606357 (VCV003606357.2).